The following is an entry in ClinVar:

ClinVar aggregate classification (germline): Pathogenic (1 of 4 stars; one submission).

Conditions:
Myopathy, proximal, and ophthalmoplegia (CMYO6). Also called: MYOPATHY WITH CONGENITAL JOINT CONTRACTURES, OPHTHALMOPLEGIA, AND RIMMED VACUOLES; INCLUSION BODY MYOPATHY 3, AUTOSOMAL DOMINANT; CONGENITAL MYOPATHY 6 WITH OPHTHALMOPLEGIA. Identifiers: Orphanet 363677, Orphanet 79091, MedGen C1854106, MONDO:0011577, OMIM 605637.

Submission:

Labcorp Genetics (formerly Invitae), Labcorp
Classification: Pathogenic for Myopathy, proximal, and ophthalmoplegia. Last evaluated: 2019-08-09. Review status: criteria provided, single submitter. Criteria: Invitae Variant Classification Sherloc (09022015). Collection method: clinical testing. Allele origin: germline.
Comment: For these reasons, this variant has been classified as Pathogenic. Loss-of-function variants in MYH2 are known to be pathogenic (PMID: 20418530, 23388406, 24193343). This variant has not been reported in the literature in individuals with MYH2-related conditions. This variant is not present in population databases (ExAC no frequency). This sequence change creates a premature translational stop signal (p.Gly574Alafs*9) in the MYH2 gene. It is expected to result in an absent or disrupted protein product.

Literature cited by the submitters: PubMed 20418530; PubMed 23388406; PubMed 24193343.

NM_017534.6(MYH2):c.1719del (p.Gly574fs)

Genes: MYHAS (myosin heavy chain gene cluster antisense RNA; plus strand), MYH2 (myosin heavy chain 2; minus strand). Cytogenetic location: 17p13.1.
Variant type: Deletion.
Coding change: c.1719del on transcript NM_017534.6 (MANE Select); coding-DNA position 1719, one base deleted (A; older notation c.1719delA).
Protein change: p.Gly574fs; shifts the reading frame from glycine 574.
Molecular consequence: frameshift variant.
Genome position (GRCh38, 1-based): chr17:10,537,411, T deleted on the plus strand (A on the coding strand, the reverse complement: MYH2 is on the minus strand); the first of 3 consecutive T bases (chr17:10,537,411-10,537,413); deleting any one gives the same sequence. VCF-style (leftmost placement, unchanged base first): chr17-10537410-CT-C. GRCh37 (hg19) VCF-style: chr17-10440727-CT-C.
Other names: c.1719del, p.Gly574fs (NM_001100112.2); short protein forms G574fs.
Identifiers: ClinVar variation 947616 (VCV000947616.7), dbSNP rs2073494828, ClinGen allele CA1139665223.